The following is an entry in ClinVar:

NM_000843.4(GRM6):c.1565G>A (p.Cys522Tyr)

Genes: GRM6 (glutamate metabotropic receptor 6; minus strand), ZNF454 (zinc finger protein 454; plus strand). Cytogenetic location: 5q35.3.
Variant type: single nucleotide variant.
Coding change: c.1565G>A on transcript NM_000843.4 (MANE Select); coding-DNA position 1565, G replaced by A.
Protein change: p.Cys522Tyr; replaces cysteine 522 with tyrosine.
Molecular consequence: missense variant.
Genome position (GRCh38, 1-based): chr5:178,986,689, C>T on the plus strand (G>A on the coding strand, the complement: GRM6 is on the minus strand). VCF-style: chr5-178986689-C-T. GRCh37 (hg19) VCF-style: chr5-178413690-C-T.
Other names: short protein forms C522Y.
Identifiers: ClinVar variation 5846 (VCV000005846.9), dbSNP rs62638208, ClinGen allele CA117806.

ClinVar aggregate classification (germline): Uncertain significance. Review status: criteria provided, multiple submitters, no conflicts (2 of 4 stars). 4 submissions from 4 submitters: Uncertain significance (2). 2 of the submissions do not count toward it. Last evaluated 2024-04-10.

Conditions:
Congenital stationary night blindness 1B. Also called: Night blindness, congenital stationary (complete), 1B, autosomal recessive; NIGHT BLINDNESS, CONGENITAL STATIONARY, COMPLETE, AUTOSOMAL RECESSIVE. Identifiers: Orphanet 215, MedGen C1850362, MONDO:0009758, OMIM 257270.

Allele frequency attached by ClinVar (database versions not stated): gnomAD exomes 0.00002 and 0.00005; ExAC 0.00003; gnomAD 0.00003 and 0.00004; TOPMed 0.00004.
gnomAD v4.1: 72 of 1,604,130 alleles (0.0045%); highest among the groups gnomAD compares: Non-Finnish European, 0.0058%; no homozygotes.

Submissions (4):

Blueprint Genetics
Classification: Uncertain significance. Last evaluated: 2024-04-10. Review status: criteria provided, single submitter. Criteria: ACMG Guidelines, 2015. Collection method: clinical testing. Allele origin: germline.

Labcorp Genetics (formerly Invitae), Labcorp
Classification: Uncertain significance. Last evaluated: 2022-09-19. Review status: criteria provided, single submitter. Criteria: Invitae Variant Classification Sherloc (09022015). Collection method: clinical testing. Allele origin: germline.
Comment: This sequence change replaces cysteine, which is neutral and slightly polar, with tyrosine, which is neutral and polar, at codon 522 of the GRM6 protein (p.Cys522Tyr). This variant is present in population databases (rs62638208, gnomAD 0.005%). This missense change has been observed in individual(s) with congenital stationary night blindness (PMID: 16249515, 19666700). ClinVar contains an entry for this variant (Variation ID: 5846). Advanced modeling of protein sequence and biophysical properties (such as structural, functional, and spatial information, amino acid conservation, physicochemical variation, residue mobility, and thermodynamic stability) performed at Invitae indicates that this missense variant is expected to disrupt GRM6 protein function. Experimental studies have shown that this missense change affects GRM6 function (PMID: 17405131). In summary, the available evidence is currently insufficient to determine the role of this variant in disease. Therefore, it has been classified as a Variant of Uncertain Significance.

OMIM
Classification: Pathogenic for NIGHT BLINDNESS, CONGENITAL STATIONARY, TYPE 1B. Last evaluated: 2005-11-01. Review status: no assertion criteria provided. Collection method: literature only. Allele origin: germline. Not counted in ClinVar's aggregate classification.

Retina International
No classification provided. Review status: no classification provided. Collection method: not provided. Allele origin: not provided. Not counted in ClinVar's aggregate classification.

Literature cited by the submitters: PubMed 16249515 (cited by Labcorp Genetics (formerly Invitae), Labcorp and OMIM); PubMed 19666700 (cited by Labcorp Genetics (formerly Invitae), Labcorp); PubMed 17405131 (cited by Labcorp Genetics (formerly Invitae), Labcorp).